The following is an entry in ClinVar:

ClinVar aggregate classification (germline): Benign (1 of 4 stars; one submission).

Conditions:
Amyotrophic lateral sclerosis type 21. Also called: VOCAL CORD AND PHARYNGEAL DYSFUNCTION WITH DISTAL MYOPATHY; MYOPATHY, DISTAL, 2. Identifiers: Orphanet 600, Orphanet 803, MedGen C3807521, MONDO:0011632, OMIM 606070.

Allele frequency attached by ClinVar (database versions not stated): gnomAD 0.00043; gnomAD exomes 0.00046; TOPMed 0.00050; ExAC 0.00056.
gnomAD v4.1: 210 of 453,974 alleles (0.046%); highest among the groups gnomAD compares: Admixed American, 0.094%; 1 homozygote.

Submission:

Illumina Laboratory Services, Illumina
Classification: Benign for Amyotrophic lateral sclerosis type 21. Last evaluated: 2018-01-13. Review status: criteria provided, single submitter. Criteria: ICSL Variant Classification Criteria 13 December 2019. Collection method: clinical testing. Allele origin: germline.
Comment: This variant was observed in the ICSL laboratory as part of a predisposition screen in an ostensibly healthy population. It had not been previously curated by ICSL or reported in the Human Gene Mutation Database (HGMD: prior to June 1st, 2018), and was therefore a candidate for classification through an automated scoring system. Utilizing variant allele frequency, disease prevalence and penetrance estimates, and inheritance mode, an automated score was calculated to assess if this variant is too frequent to cause the disease. Based on the score and internal cut-off values, a variant classified as benign is not then subjected to further curation. The score for this variant resulted in a classification of benign for this disease.

NM_018834.6(MATR3):c.*2200C>T

Gene: MATR3 (matrin 3; plus strand). Cytogenetic location: 5q31.2.
Variant type: single nucleotide variant.
Coding change: c.*2200C>T on transcript NM_018834.6 (MANE Select); 2200 bases downstream of the stop codon, C replaced by T.
Molecular consequence: 3 prime UTR variant.
Genome position (GRCh38, 1-based): chr5:139,331,595, C>T. VCF-style: chr5-139331595-C-T. GRCh37 (hg19) VCF-style: chr5-138667284-C-T.
Other names: c.*2200C>T (NM_001194954.2, NM_001194955.2, NM_001194956.2 and 2 more transcripts).
Identifiers: ClinVar variation 351185 (VCV000351185.5), dbSNP rs770043950, ClinGen allele CA3433639.